The following is an entry in ClinVar:

NM_000540.3(RYR1):c.2859del (p.Lys953fs)

Gene: RYR1 (ryanodine receptor 1; plus strand). Cytogenetic location: 19q13.2.
Variant type: Deletion.
Coding change: c.2859del on transcript NM_000540.3 (MANE Select); coding-DNA position 2859, one base deleted (A; older notation c.2859delA).
Protein change: p.Lys953fs; shifts the reading frame from lysine 953.
Molecular consequence: frameshift variant.
Genome position (GRCh38, 1-based): chr19:38,464,711, A deleted; the last of 4 consecutive A bases (chr19:38,464,708-38,464,711); deleting any one gives the same sequence. VCF-style (leftmost placement, unchanged base first): chr19-38464707-CA-C. GRCh37 (hg19) VCF-style: chr19-38955347-CA-C.
Other names: c.2859del, p.Lys953fs (NM_001042723.2); short protein forms K953fs.
Identifiers: ClinVar variation 4850777 (VCV004850777.1).
Genomic context (GRCh38, chr19:38,464,707, plus strand): 5'-TGGCTCTGGGCTGCCACGTGGGCATGGCGGATGAGAAGGCGGAGGACAACCTGAAGAAGA[CA>C]AAACTCCCCAAGACGTGAGTGTGGGCAGCCAGGTCCCGTCTGGGGATGGACTGGGGGCTG-3'

ClinVar aggregate classification (germline): Likely pathogenic (1 of 4 stars; one submission).

Conditions:
Congenital multicore myopathy with external ophthalmoplegia (CMYO1B). Also called: MULTICORE MYOPATHY; Minicore myopathy with external ophthalmoplegia; MULTIMINICORE DISEASE WITH EXTERNAL OPHTHALMOPLEGIA; Congenital myopathy 1B, autosomal recessive; Minicore myopathy. Identifiers: Orphanet 598, Orphanet 98905, MedGen C1850674, MONDO:0009712, OMIM 255320, HP:0003789.

Submission:

Variantyx, Inc.
Classification: Likely pathogenic for Congenital multicore myopathy with external ophthalmoplegia. Last evaluated: 2025-08-26. Review status: criteria provided, single submitter. Criteria: Variantyx Assertion Criteria 2022. Collection method: clinical testing. Allele origin: germline. Inheritance: Autosomal recessive inheritance. Affected: no.
Comment: This is a frameshift variant in the RYR1 gene (OMIM: 180901). Pathogenic variants in this gene have been associated with autosomal recessive congenital myopathy 1. This variant introduces a premature termination codon in exon 23 out of 106 and is expected to result in loss of function, which is a known disease mechanism for RYR1 in these disorders (PMID: 20583297, 20839240, 23919265, 28818389) (PVS1). It is absent from control populations (PM2), and it has not been reported in individuals with RYR1-related disorders in the databases available for review. Based on the current evidence, this variant is classified as likely pathogenic for autosomal recessive congenital myopathy 1B.

Literature cited by the submitters: PubMed 20583297; PubMed 20839240; PubMed 23919265; PubMed 28818389.